The following is an entry in ClinVar:

ClinVar aggregate classification (germline): Uncertain significance (1 of 4 stars; one submission).

Submission:

Labcorp Genetics (formerly Invitae), Labcorp
Classification: Uncertain significance. Last evaluated: 2022-02-22. Review status: criteria provided, single submitter. Criteria: Invitae Variant Classification Sherloc (09022015). Collection method: clinical testing. Allele origin: germline.
Comment: This sequence change falls in intron 42 of the MYO7A gene. It does not directly change the encoded amino acid sequence of the MYO7A protein. It affects a nucleotide within the consensus splice site. This variant is not present in population databases (gnomAD no frequency). This variant has not been reported in the literature in individuals affected with MYO7A-related conditions. Variants that disrupt the consensus splice site are a relatively common cause of aberrant splicing (PMID: 17576681, 9536098). Algorithms developed to predict the effect of sequence changes on RNA splicing suggest that this variant is not likely to affect RNA splicing. In summary, the available evidence is currently insufficient to determine the role of this variant in disease. Therefore, it has been classified as a Variant of Uncertain Significance.

Literature cited by the submitters: PubMed 17576681; PubMed 9536098.

NM_000260.4(MYO7A):c.5856+4G>A

Gene: MYO7A (myosin VIIA; plus strand). Cytogenetic location: 11q13.5.
Variant type: single nucleotide variant.
Coding change: c.5856+4G>A on transcript NM_000260.4 (MANE Select); 4 bases into the intron after coding-DNA position 5856, G replaced by A.
Molecular consequence: intron variant.
Genome position (GRCh38, 1-based): chr11:77,207,406, G>A. VCF-style: chr11-77207406-G-A. GRCh37 (hg19) VCF-style: chr11-76918451-G-A.
Other names: c.5709+4G>A (NM_001369365.1); c.5742+4G>A (NM_001127180.2).
Identifiers: ClinVar variation 2101546 (VCV002101546.1), dbSNP rs2497738089, ClinGen allele CA2580084976.